The following is an entry in ClinVar:

ClinVar aggregate classification (germline): Likely benign (1 of 4 stars; one submission).

Conditions:
RAI1-related disorder. Also called: RAI1-related condition.

Submission:

PreventionGenetics, part of Exact Sciences
Classification: Likely benign for RAI1-related condition. Last evaluated: 2024-11-25. Review status: criteria provided, single submitter. Criteria: ACMG Guidelines, 2015. Collection method: clinical testing. Allele origin: germline.
Comment: This variant is classified as likely benign based on ACMG/AMP sequence variant interpretation guidelines (Richards et al. 2015 PMID: 25741868, with internal and published modifications).

NM_030665.4(RAI1):c.-148-27C>A

Gene: RAI1 (retinoic acid induced 1; plus strand). Cytogenetic location: 17p11.2.
Variant type: single nucleotide variant.
Coding change: c.-148-27C>A on transcript NM_030665.4 (MANE Select); 27 bases into the intron before 148 bases upstream of the start codon, C replaced by A.
Molecular consequence: intron variant.
Genome position (GRCh38, 1-based): chr17:17,724,001, C>A. VCF-style: chr17-17724001-C-A. GRCh37 (hg19) VCF-style: chr17-17627315-C-A.
Identifiers: ClinVar variation 4983350 (VCV004983350.1).